The following is an entry in ClinVar:

ClinVar aggregate classification (germline): Uncertain significance (1 of 4 stars; one submission).

Conditions:
Cardiomyopathy, familial restrictive, 3. Identifiers: Orphanet 75249, MedGen C2676271, MONDO:0012900, OMIM 612422.
Hypertrophic cardiomyopathy 2. Also called: TNNT2-Related Familial Hypertrophic Cardiomyopathy. Identifiers: MedGen C1861864, MONDO:0007266, OMIM 115195.
Dilated cardiomyopathy 1D. Identifiers: Orphanet 154, Orphanet 54260, MedGen C1832243, MONDO:0011095, OMIM 601494.

Submission:

Labcorp Genetics (formerly Invitae), Labcorp
Classification: Uncertain significance for Cardiomyopathy, familial restrictive, 3; Hypertrophic cardiomyopathy 2; Dilated cardiomyopathy 1D. Last evaluated: 2024-01-09. Review status: criteria provided, single submitter. Criteria: Invitae Variant Classification Sherloc (09022015). Collection method: clinical testing. Allele origin: germline.
Comment: This sequence change affects codon 190 of the TNNT2 mRNA. It is a 'silent' change, meaning that it does not change the encoded amino acid sequence of the TNNT2 protein. This variant also falls at the last nucleotide of exon 11, which is part of the consensus splice site for this exon. This variant is not present in population databases (gnomAD no frequency). This variant has not been reported in the literature in individuals affected with TNNT2-related conditions. Variants that disrupt the consensus splice site are a relatively common cause of aberrant splicing (PMID: 17576681, 9536098). Algorithms developed to predict the effect of sequence changes on RNA splicing suggest that this variant may disrupt the consensus splice site. In summary, the available evidence is currently insufficient to determine the role of this variant in disease. Therefore, it has been classified as a Variant of Uncertain Significance.

Literature cited by the submitters: PubMed 17576681; PubMed 9536098.

NM_001276345.2(TNNT2):c.600G>A (p.Lys200=)

Gene: TNNT2 (troponin T2, cardiac type; minus strand). Cytogenetic location: 1q32.1.
Variant type: single nucleotide variant.
Coding change: c.600G>A on transcript NM_001276345.2 (MANE Select); coding-DNA position 600, G replaced by A.
Protein change: p.Lys200=; no amino-acid change (lysine 200 retained).
Molecular consequence: synonymous variant.
Genome position (GRCh38, 1-based): chr1:201,363,296, C>T on the plus strand (G>A on the coding strand, the complement: TNNT2 is on the minus strand). VCF-style: chr1-201363296-C-T. GRCh37 (hg19) VCF-style: chr1-201332424-C-T.
Other names: c.600G>A, p.Lys200= (NM_000364.4, NM_001406723.1); c.570G>A, p.Lys190= (NM_001001430.3, NM_001001431.3, NM_001276347.2 and 3 more transcripts); c.555G>A, p.Lys185= (NM_001001432.3, NM_001406728.1); c.480G>A, p.Lys160= (NM_001276346.2); c.567G>A, p.Lys189= (NM_001406725.1).
Identifiers: ClinVar variation 2922081 (VCV002922081.3), dbSNP rs1376311899, ClinGen allele CA030568.